The following is an entry in ClinVar:

ClinVar aggregate classification (germline): Uncertain significance. Review status: criteria provided, multiple submitters, no conflicts (2 of 4 stars). 3 submissions from 3 submitters: Uncertain significance (3). Last evaluated 2023-12-19.

Conditions:
Hereditary cancer-predisposing syndrome. Also called: Hereditary neoplastic syndrome; Tumor predisposition; Hereditary Cancer Syndrome; Neoplastic Syndromes, Hereditary. Identifiers: Orphanet 140162, MedGen C0027672, MeSH D009386, MONDO:0015356.
Breast-ovarian cancer, familial, susceptibility to, 4. Identifiers: Orphanet 145, MedGen C3280345, MONDO:0013669, OMIM 614291.

Allele frequency attached by ClinVar (database versions not stated): gnomAD exomes below 0.00001.
gnomAD v4.1: 1 of 1,611,650 alleles (0.000062%); highest among the groups gnomAD compares: Non-Finnish European, 0.000085%; no homozygotes.

Submissions (3):

Baylor Genetics
Classification: Uncertain significance for Breast-ovarian cancer, familial, susceptibility to, 4. Last evaluated: 2023-12-19. Review status: criteria provided, single submitter. Criteria: ACMG Guidelines, 2015. Collection method: clinical testing. Allele origin: unknown.

Color Diagnostics, LLC DBA Color Health
Classification: Uncertain significance for Hereditary cancer-predisposing syndrome. Last evaluated: 2023-12-05. Review status: criteria provided, single submitter. Criteria: ACMG Guidelines, 2015. Collection method: clinical testing. Allele origin: germline.
Comment: This missense variant replaces leucine with phenylalanine at codon 4 of the RAD51D protein. Computational prediction suggests that this variant may not impact protein structure and function (internally defined REVEL score threshold <= 0.5, PMID: 27666373). To our knowledge, functional studies have not been reported for this variant. This variant has not been reported in individuals affected with RAD51D-related disorders in the literature. This variant has not been identified in the general population by the Genome Aggregation Database (gnomAD). The available evidence is insufficient to determine the role of this variant in disease conclusively. Therefore, this variant is classified as a Variant of Uncertain Significance.

Ambry Genetics
Classification: Uncertain significance for Hereditary cancer-predisposing syndrome. Last evaluated: 2022-06-28. Review status: criteria provided, single submitter. Criteria: Ambry Variant Classification Scheme 2023. Collection method: clinical testing. Allele origin: germline.
Comment: The p.L4F variant (also known as c.10C>T), located in coding exon 1 of the RAD51D gene, results from a C to T substitution at nucleotide position 10. The leucine at codon 4 is replaced by phenylalanine, an amino acid with highly similar properties. This amino acid position is conserved. In addition, the in silico prediction for this alteration is inconclusive. Since supporting evidence is limited at this time, the clinical significance of this alteration remains unclear.

NM_002878.4(RAD51D):c.10C>T (p.Leu4Phe)

Genes: RAD51D (RAD51 paralog D; minus strand), RAD51L3-RFFL (RAD51L3-RFFL readthrough; minus strand). Cytogenetic location: 17q12.
Variant type: single nucleotide variant.
Coding change: c.10C>T on transcript NM_002878.4 (MANE Select); coding-DNA position 10, C replaced by T.
Protein change: p.Leu4Phe; replaces leucine 4 with phenylalanine.
Molecular consequence: missense variant. On other transcripts: non-coding transcript variant (2).
Genome position (GRCh38, 1-based): chr17:35,119,604, G>A on the plus strand (C>T on the coding strand, the complement: RAD51D is on the minus strand). VCF-style: chr17-35119604-G-A. GRCh37 (hg19) VCF-style: chr17-33446623-G-A.
Other names: c.10C>T, p.Leu4Phe (NM_001142571.2, NM_133629.3); short protein forms L4F.
Identifiers: ClinVar variation 492406 (VCV000492406.10), dbSNP rs1555570507, ClinGen allele CA399092589.